The following is an entry in ClinVar:

NM_201548.5(CERKL):c.162C>G (p.Ile54Met)

Gene: CERKL (ceramide kinase like; minus strand). Cytogenetic location: 2q31.3.
Variant type: single nucleotide variant.
Coding change: c.162C>G on transcript NM_201548.5 (MANE Select); coding-DNA position 162, C replaced by G.
Protein change: p.Ile54Met; replaces isoleucine 54 with methionine.
Molecular consequence: missense variant. On other transcripts: non-coding transcript variant (2).
Genome position (GRCh38, 1-based): chr2:181,656,845, G>C on the plus strand (C>G on the coding strand, the complement: CERKL is on the minus strand). VCF-style: chr2-181656845-G-C. GRCh37 (hg19) VCF-style: chr2-182521572-G-C.
Other names: c.162C>G, p.Ile54Met (NM_001030311.3, NM_001030312.3, NM_001030313.3 and 1 more transcripts); short protein forms I54M.
Identifiers: ClinVar variation 1050903 (VCV001050903.6), dbSNP rs568992169, ClinGen allele CA349744454.

ClinVar aggregate classification (germline): Uncertain significance (1 of 4 stars; one submission).

gnomAD v4.1: 4 of 1,604,666 alleles (0.00025%); highest among the groups gnomAD compares: African/African-American, 0.0013%; no homozygotes.

Submission:

Labcorp Genetics (formerly Invitae), Labcorp
Classification: Uncertain significance. Last evaluated: 2021-08-30. Review status: criteria provided, single submitter. Criteria: Invitae Variant Classification Sherloc (09022015). Collection method: clinical testing. Allele origin: germline.
Comment: This sequence change replaces isoleucine with methionine at codon 54 of the CERKL protein (p.Ile54Met). The isoleucine residue is weakly conserved and there is a small physicochemical difference between isoleucine and methionine. This variant is not present in population databases (ExAC no frequency). This variant has not been reported in the literature in individuals affected with CERKL-related conditions. Algorithms developed to predict the effect of missense changes on protein structure and function are either unavailable or do not agree on the potential impact of this missense change (SIFT: "Tolerated"; PolyPhen-2: "Probably Damaging"; Align-GVGD: "Class C0"). In summary, the available evidence is currently insufficient to determine the role of this variant in disease. Therefore, it has been classified as a Variant of Uncertain Significance.